The following is an entry in ClinVar:

NM_000548.5(TSC2):c.3132G>A (p.Arg1044=)

Gene: TSC2 (TSC complex subunit 2; plus strand). Cytogenetic location: 16p13.3.
Variant type: single nucleotide variant.
Coding change: c.3132G>A on transcript NM_000548.5 (MANE Select); coding-DNA position 3132, G replaced by A.
Protein change: p.Arg1044=; no amino-acid change (arginine 1044 retained).
Molecular consequence: synonymous variant. On other transcripts: non-coding transcript variant (5).
Genome position (GRCh38, 1-based): chr16:2,079,276, G>A. VCF-style: chr16-2079276-G-A. GRCh37 (hg19) VCF-style: chr16-2129277-G-A.
Other names: c.3000G>A, p.Arg1000= (NM_001077183.3, NM_001370404.1, NM_001406665.1); c.3132G>A, p.Arg1044= (NM_001114382.3); c.2892G>A, p.Arg964= (NM_001318827.2); c.2856G>A, p.Arg952= (NM_001318829.2); c.2400G>A, p.Arg800= (NM_001318831.2, NM_001406687.1, NM_001406688.1); c.3033G>A, p.Arg1011= (NM_001318832.2); c.3003G>A, p.Arg1001= (NM_001363528.2, NM_001370405.1, NM_021055.3); c.3129G>A, p.Arg1043= (NM_001406663.1, NM_001406664.1); and 18 more.
Identifiers: ClinVar variation 2008779 (VCV002008779.4), dbSNP rs2151436847, ClinGen allele CA493042770.
Genomic context (GRCh38, chr16:2,079,276, plus strand): 5'-GCTGGGCGGGCCTGCGGGAGCTCCACGGGCAAGCTGGGTTTCACGCTCCCTGTCTTCTAG[G>A]TCTCCTGTGGGCGAGTTCCTCCTAGCGGGTGGCAGGACCAAAACCTGGCTGGTTGGGAAC-3'
Protein context (NP_000539.2, residues 1034-1054): VFSNFTAVPK[Arg1044=]SPVGEFLLAG

ClinVar aggregate classification (germline): Uncertain significance (1 of 4 stars; one submission).

Conditions:
Tuberous sclerosis 2 (TSC2). Identifiers: Orphanet 805, MedGen C1860707, MONDO:0013199, OMIM 613254.

Submission:

Labcorp Genetics (formerly Invitae), Labcorp
Classification: Uncertain significance for Tuberous sclerosis 2. Last evaluated: 2022-06-21. Review status: criteria provided, single submitter. Criteria: Invitae Variant Classification Sherloc (09022015). Collection method: clinical testing. Allele origin: germline.
Comment: In summary, the available evidence is currently insufficient to determine the role of this variant in disease. Therefore, it has been classified as a Variant of Uncertain Significance. Algorithms developed to predict the effect of sequence changes on RNA splicing suggest that this variant is not likely to affect RNA splicing. This variant has not been reported in the literature in individuals affected with TSC2-related conditions. This variant is not present in population databases (gnomAD no frequency). This sequence change affects codon 1044 of the TSC2 mRNA. It is a 'silent' change, meaning that it does not change the encoded amino acid sequence of the TSC2 protein. It affects a nucleotide within the consensus splice site.